The following is an entry in ClinVar:

NM_006389.5(HYOU1):c.641del (p.Gly214fs)

Gene: HYOU1 (hypoxia up-regulated 1; minus strand). Cytogenetic location: 11q23.3.
Variant type: Deletion.
Coding change: c.641del on transcript NM_006389.5 (MANE Select); coding-DNA position 641, one base deleted (G; older notation c.641delG).
Protein change: p.Gly214fs; shifts the reading frame from glycine 214.
Molecular consequence: frameshift variant.
Genome position (GRCh38, 1-based): chr11:119,054,531, C deleted on the plus strand (G on the coding strand, the reverse complement: HYOU1 is on the minus strand); the first of 2 consecutive C bases (chr11:119,054,531-119,054,532); deleting either gives the same sequence. VCF-style (leftmost placement, unchanged base first): chr11-119054530-AC-A. GRCh37 (hg19) VCF-style: chr11-118925242-AC-A.
Other names: c.641delG (NM_006389.5); c.641del, p.Gly214fs (NM_001130991.3, NM_001411041.1); short protein forms G214fs.
Identifiers: ClinVar variation 4847943 (VCV004847943.1).

ClinVar aggregate classification (germline): Uncertain significance (1 of 4 stars; one submission).

Submission:

Women's Health and Genetics/Laboratory Corporation of America, LabCorp
Classification: Uncertain significance. Last evaluated: 2026-02-10. Review status: criteria provided, single submitter. Criteria: LabCorp Variant Classification Summary - May 2015. Collection method: clinical testing. Allele origin: germline.
Comment: Variant summary: HYOU1 c.641delG (p.Gly214ValfsX30) results in a premature termination codon, predicted to cause a truncation of the encoded protein or absence of the protein due to nonsense mediated decay, however current evidence is not sufficient to establish loss of function as a mechanism for disease. The variant was absent in 251478 control chromosomes. The available data on variant occurrences in the general population are insufficient to allow any conclusion about variant significance. To our knowledge, no occurrence of c.641delG in individuals affected with HYOU1-related conditions and no experimental evidence demonstrating its impact on protein function have been reported. No submitters have cited clinical-significance assessments for this variant to ClinVar. Based on the evidence outlined above, the variant was classified as uncertain significance.